The following is an entry in ClinVar:

ClinVar aggregate classification (germline): Likely pathogenic (1 of 4 stars; one submission).

Conditions:
Dilated cardiomyopathy 1G (CMD1G). Identifiers: Orphanet 154, MedGen C1858763, MONDO:0011400, OMIM 604145.
Autosomal recessive limb-girdle muscular dystrophy type 2J (LGMDR10). Also called: MUSCULAR DYSTROPHY, LIMB-GIRDLE, AUTOSOMAL RECESSIVE 10; Limb-girdle muscular dystrophy, type 2J. Identifiers: Orphanet 140922, MedGen C1837342, MONDO:0012127, OMIM 608807.

Submission:

Labcorp Genetics (formerly Invitae), Labcorp
Classification: Likely pathogenic for Dilated cardiomyopathy 1G; Autosomal recessive limb-girdle muscular dystrophy type 2J. Last evaluated: 2021-12-12. Review status: criteria provided, single submitter. Criteria: Invitae Variant Classification Sherloc (09022015). Collection method: clinical testing. Allele origin: germline.
Comment: This variant has not been reported in the literature in individuals affected with TTN-related conditions. This variant is not present in population databases (gnomAD no frequency). This sequence change creates a premature translational stop signal (p.Arg28118Profs*2) in the TTN gene. While this is not anticipated to result in nonsense mediated decay, it is expected to create a truncated TTN protein. This variant is located in the A band of TTN (PMID: 25589632). Truncating variants in this region are significantly overrepresented in patients affected with dilated cardiomyopathy (PMID: 25589632). Truncating variants in this region have also been reported in individuals affected with autosomal recessive centronuclear myopathy (PMID: 23975875). In summary, the currently available evidence indicates that the variant is pathogenic, but additional data are needed to prove that conclusively. Therefore, this variant has been classified as Likely Pathogenic.

Literature cited by the submitters: PubMed 25589632; PubMed 23975875.

NM_001267550.2(TTN):c.84353del (p.Arg28118fs)

Genes: TTN (titin; minus strand), TTN-AS1 (TTN antisense RNA 1; plus strand). Cytogenetic location: 2q31.2.
Variant type: Deletion.
Coding change: c.84353del on transcript NM_001267550.2 (MANE Select); coding-DNA position 84353, one base deleted (G; older notation c.84353delG).
Protein change: p.Arg28118fs; shifts the reading frame from arginine 28118.
Molecular consequence: frameshift variant.
Genome position (GRCh38, 1-based): chr2:178,561,779, C deleted on the plus strand (G on the coding strand, the reverse complement: TTN is on the minus strand). VCF-style (leftmost placement, unchanged base first): chr2-178561778-GC-G. GRCh37 (hg19) VCF-style: chr2-179426505-GC-G.
Other names: c.79430del, p.Arg26477fs (NM_001256850.1); c.57158del, p.Arg19053fs (NM_003319.4); c.76649del, p.Arg25550fs (NM_133378.4); c.57533del, p.Arg19178fs (NM_133432.3); c.57734del, p.Arg19245fs (NM_133437.4); short protein forms R19245fs, R28118fs, R19053fs, R25550fs, R26477fs, R19178fs.
Identifiers: ClinVar variation 2040121 (VCV002040121.4), dbSNP rs2469705706, ClinGen allele CA2580064911.